The following is an entry in ClinVar:

NM_198253.3(TERT):c.2971-10G>T

Gene: TERT (telomerase reverse transcriptase; minus strand). Cytogenetic location: 5p15.33.
Variant type: single nucleotide variant.
Coding change: c.2971-10G>T on transcript NM_198253.3 (MANE Select); 10 bases into the intron before coding-DNA position 2971, G replaced by T.
Molecular consequence: intron variant.
Genome position (GRCh38, 1-based): chr5:1,258,669, C>A on the plus strand (G>T on the coding strand, the complement: TERT is on the minus strand). VCF-style: chr5-1258669-C-A. GRCh37 (hg19) VCF-style: chr5-1258784-C-A.
Other names: c.2782-10G>T (NM_001193376.3).
Identifiers: ClinVar variation 242234 (VCV000242234.22), dbSNP rs878855303, ClinGen allele CA10582350.
Genomic context (GRCh38, chr5:1,258,669, plus strand): 5'-CAGCAGGAGGATCTTGTAGATGTTGGTGCACACCGTCTGGAGGCTGTTCACCTAGAGTCG[C>A]CAAGAAAGAGTGAGAAACGGTAGAAACCTCTCTGGGATTTTAAGTTTTTACTTTTTGCTT-3'

ClinVar aggregate classification (germline): Conflicting classifications of pathogenicity. Review status: criteria provided, conflicting classifications (1 of 4 stars). 5 submissions from 5 submitters: Uncertain significance (2); Likely benign (2). 1 of the submissions does not count toward it. Last evaluated 2025-02-17.

Conditions:
Idiopathic Pulmonary Fibrosis. Also called: Idiopathic fibrosing alveolitis, chronic form; idiopathic fibrosing alveolitis. Identifiers: Orphanet 2032, MedGen C1800706, MeSH D054990, MONDO:0800504.
Dyskeratosis congenita, autosomal dominant 2. Identifiers: MedGen C3151443, MONDO:0013521, OMIM 613989.
TERT-related disorder. Also called: TERT-related disorders; TERT-related condition.

Allele frequency attached by ClinVar (database versions not stated): gnomAD exomes 0.00001 and 0.00005; gnomAD 0.00002 and 0.00003; TOPMed 0.00003.
gnomAD v4.1: 72 of 1,563,164 alleles (0.0046%); highest among the groups gnomAD compares: Non-Finnish European, 0.006%; no homozygotes.

Submissions (5):

Labcorp Genetics (formerly Invitae), Labcorp
Classification: Likely benign for Dyskeratosis congenita, autosomal dominant 2; Idiopathic Pulmonary Fibrosis. Last evaluated: 2025-02-17. Review status: criteria provided, single submitter. Criteria: Invitae Variant Classification Sherloc (09022015). Collection method: clinical testing. Allele origin: germline.

Institute for Clinical Genetics, University Hospital TU Dresden, University Hospital TU Dresden
Classification: Uncertain significance. Last evaluated: 2021-11-03. Review status: criteria provided, single submitter. Criteria: ACMG Guidelines, 2015. Collection method: clinical testing. Allele origin: germline.

Genetic Services Laboratory, University of Chicago
Classification: Uncertain significance. Last evaluated: 2019-09-23. Review status: criteria provided, single submitter. Criteria: ACMG Guidelines, 2015. Collection method: clinical testing. Allele origin: germline. Affected: no.

Blueprint Genetics
Classification: Likely benign. Last evaluated: 2018-11-22. Review status: criteria provided, single submitter. Criteria: ACMG Guidelines, 2015. Collection method: clinical testing. Allele origin: germline.

PreventionGenetics, part of Exact Sciences
Classification: Likely benign for TERT-related condition. Last evaluated: 2020-03-03. Review status: no assertion criteria provided. Collection method: clinical testing. Allele origin: germline. Not counted in ClinVar's aggregate classification.
Comment: This variant is classified as likely benign based on ACMG/AMP sequence variant interpretation guidelines (Richards et al. 2015 PMID: 25741868, with internal and published modifications).